The following is an entry in ClinVar:

NC_000006.11:g.(?_30695893)_(31937492_?)dup

Genes: ABHD16A (abhydrolase domain containing 16A, phospholipase; minus strand), AIF1 (allograft inflammatory factor 1; plus strand), APOM (apolipoprotein M; plus strand), ATP6V1G2 (ATPase H+ transporting V1 subunit G2; minus strand), BAG6 (BAG cochaperone 6; minus strand) and 60 more. Cytogenetic location: 6p21.33.
Variant type: Duplication.
Identifiers: ClinVar variation 2424220 (VCV002424220.5).

ClinVar aggregate classification (germline): Uncertain significance (1 of 4 stars; one submission).

Submission:

Labcorp Genetics (formerly Invitae), Labcorp
Classification: Uncertain significance. Last evaluated: 2022-09-24. Review status: criteria provided, single submitter. Criteria: Invitae Variant Classification Sherloc (09022015). Collection method: clinical testing. Allele origin: germline.
Comment: In summary, the available evidence is currently insufficient to determine the role of this variant in disease. Therefore, it has been classified as a Variant of Uncertain Significance. This variant has not been reported in the literature in individuals affected with CFB-related conditions. A copy number gain of the genomic region encompassing the full coding sequence of the CFB gene has been identified. The boundaries of this event are unknown as they extend beyond the assayed region for this gene and therefore may encompass additional genes. As the precise location of this event is unknown, it may be in tandem or it may be located elsewhere in the genome.